The following is an entry in ClinVar:

ClinVar aggregate classification (germline): Uncertain significance (1 of 4 stars; one submission).

Conditions:
Autoimmune lymphoproliferative syndrome type 1. Also called: AUTOIMMUNE LYMPHOPROLIFERATIVE SYNDROME, TYPE I, AUTOSOMAL DOMINANT. Identifiers: Orphanet 3261, MedGen C2717884, MONDO:0011158, OMIM 601859.

Allele frequency attached by ClinVar (database versions not stated): ExAC 0.00001; ESP Exome Variant Server 0.00015; TOPMed 0.00005; gnomAD 0.00003.
gnomAD v4.1: 4 of 1,613,958 alleles (0.00025%); highest among the groups gnomAD compares: African/African-American, 0.0053%; no homozygotes.

Submission:

Labcorp Genetics (formerly Invitae), Labcorp
Classification: Uncertain significance for Autoimmune lymphoproliferative syndrome. Last evaluated: 2025-10-15. Review status: criteria provided, single submitter. Criteria: Invitae Variant Classification Sherloc (09022015). Collection method: clinical testing. Allele origin: germline.
Comment: This sequence change falls in intron 2 of the FAS gene. It does not directly change the encoded amino acid sequence of the FAS protein. It affects a nucleotide within the consensus splice site. This variant is present in population databases (rs370162732, gnomAD no frequency). This variant has not been reported in the literature in individuals affected with FAS-related conditions. ClinVar contains an entry for this variant (Variation ID: 1003135). Variants that disrupt the consensus splice site are a relatively common cause of aberrant splicing (PMID: 17576681, 9536098). Algorithms developed to predict the effect of sequence changes on RNA splicing suggest that this variant may disrupt the consensus splice site. In summary, the available evidence is currently insufficient to determine the role of this variant in disease. Therefore, it has been classified as a Variant of Uncertain Significance.

Literature cited by the submitters: PubMed 17576681; PubMed 9536098.

NM_000043.6(FAS):c.196+3A>C

Gene: FAS (Fas cell surface death receptor; plus strand). Cytogenetic location: 10q23.31.
Variant type: single nucleotide variant.
Coding change: c.196+3A>C on transcript NM_000043.6 (MANE Select); 3 bases into the intron after coding-DNA position 196, A replaced by C.
Molecular consequence: intron variant.
Genome position (GRCh38, 1-based): chr10:89,003,197, A>C. VCF-style: chr10-89003197-A-C. GRCh37 (hg19) VCF-style: chr10-90762954-A-C.
Other names: c.196+3A>C (NM_152872.4, NM_001320619.2, NM_152871.4).
Identifiers: ClinVar variation 1003135 (VCV001003135.6), dbSNP rs370162732, ClinGen allele CA5593046.